The following is an entry in ClinVar:

ClinVar aggregate classification (germline): Uncertain significance (1 of 4 stars; one submission).

Conditions:
Inborn genetic diseases. Identifiers: MedGen C0950123, MeSH D030342.

gnomAD v4.1: 5 of 1,607,634 alleles (0.00031%); highest among the groups gnomAD compares: Non-Finnish European, 0.00034%; no homozygotes.

Submission:

Ambry Genetics
Classification: Uncertain significance for Inborn genetic diseases. Last evaluated: 2025-01-14. Review status: criteria provided, single submitter. Criteria: Ambry Variant Classification Scheme 2023. Collection method: clinical testing. Allele origin: germline.
Comment: The p.Y777S variant (also known as c.2330A>C), located in coding exon 14 of the FANCM gene, results from an A to C substitution at nucleotide position 2330. The tyrosine at codon 777 is replaced by serine, an amino acid with dissimilar properties. This amino acid position is conserved. In addition, the in silico prediction for this alteration is inconclusive. Based on the available evidence, the clinical significance of this variant remains unclear.

NM_020937.4(FANCM):c.2330A>C (p.Tyr777Ser)

Gene: FANCM (FA complementation group M; plus strand). Cytogenetic location: 14q21.2.
Variant type: single nucleotide variant.
Coding change: c.2330A>C on transcript NM_020937.4 (MANE Select); coding-DNA position 2330, A replaced by C.
Protein change: p.Tyr777Ser; replaces tyrosine 777 with serine.
Molecular consequence: missense variant.
Genome position (GRCh38, 1-based): chr14:45,175,084, A>C. VCF-style: chr14-45175084-A-C. GRCh37 (hg19) VCF-style: chr14-45644287-A-C.
Other names: c.2252A>C, p.Tyr751Ser (NM_001308133.2); short protein forms Y751S, Y777S.
Identifiers: ClinVar variation 3848627 (VCV003848627.1).